The following is an entry in ClinVar:

NM_001844.5(COL2A1):c.2733+193C>T

Gene: COL2A1 (collagen type II alpha 1 chain; minus strand). Cytogenetic location: 12q13.11.
Variant type: single nucleotide variant.
Coding change: c.2733+193C>T on transcript NM_001844.5 (MANE Select); 193 bases into the intron after coding-DNA position 2733, C replaced by T.
Molecular consequence: intron variant.
Genome position (GRCh38, 1-based): chr12:47,979,318, G>A on the plus strand (C>T on the coding strand, the complement: COL2A1 is on the minus strand). VCF-style: chr12-47979318-G-A. GRCh37 (hg19) VCF-style: chr12-48373101-G-A.
Other names: c.2526+193C>T (NM_033150.3).
Identifiers: ClinVar variation 679443 (VCV000679443.1), dbSNP rs115291873, ClinGen allele CA236522382.

ClinVar aggregate classification (germline): Benign (1 of 4 stars; one submission).

Allele frequency attached by ClinVar (database versions not stated): gnomAD 0.02478 and 0.02639; TOPMed 0.02779; 1000 Genomes Project 0.02895; 1000 Genomes Project 30x 0.03154.
gnomAD v4.1: 3,729 of 152,234 alleles (2.4%); highest among the groups gnomAD compares: African/African-American, 8.4%; 188 homozygotes.

Submission:

GeneDx
Classification: Benign. Last evaluated: 2018-06-14. Review status: criteria provided, single submitter. Criteria: GeneDx Variant Classification (06012015). Collection method: clinical testing. Allele origin: germline. Affected: yes.
Comment: This variant is considered likely benign or benign based on one or more of the following criteria: it is a conservative change, it occurs at a poorly conserved position in the protein, it is predicted to be benign by multiple in silico algorithms, and/or has population frequency not consistent with disease.